The following is an entry in ClinVar:

ClinVar aggregate classification (germline): Uncertain significance (1 of 4 stars; one submission).

Conditions:
Cardiomyopathy (CMYO). Also called: Cardiomyopathies. Identifiers: Orphanet 167848, MedGen C0878544, MONDO:0004994, HP:0001638. Inheritance: Various modes of inheritance.

gnomAD v4.1: 2 of 1,614,144 alleles (0.00012%); highest among the groups gnomAD compares: Non-Finnish European, 0.00017%; no homozygotes.

Submission:

Color Diagnostics, LLC DBA Color Health
Classification: Uncertain significance for Cardiomyopathy. Last evaluated: 2025-03-31. Review status: criteria provided, single submitter. Criteria: ACMG Guidelines, 2015. Collection method: clinical testing. Allele origin: germline.
Comment: This missense variant replaces arginine with lysine at codon 1582 of the DSP protein. Computational prediction suggests that this variant may not impact protein structure and function (internally defined REVEL score threshold <= 0.5, PMID: 27666373). To our knowledge, functional studies have not been reported for this variant. This variant has not been reported in individuals affected with DSP-related disorders in the literature. This variant has not been identified in the general population by the Genome Aggregation Database (gnomAD). The available evidence is insufficient to determine the role of this variant in disease conclusively. Therefore, this variant is classified as a Variant of Uncertain Significance.

NM_004415.4(DSP):c.4745G>A (p.Arg1582Lys)

Gene: DSP (desmoplakin; plus strand). Cytogenetic location: 6p24.3.
Variant type: single nucleotide variant.
Coding change: c.4745G>A on transcript NM_004415.4 (MANE Select); coding-DNA position 4745, G replaced by A.
Protein change: p.Arg1582Lys; replaces arginine 1582 with lysine.
Molecular consequence: missense variant. On other transcripts: intron variant (2).
Genome position (GRCh38, 1-based): chr6:7,580,935, G>A. VCF-style: chr6-7580935-G-A. GRCh37 (hg19) VCF-style: chr6-7581168-G-A.
Other names: c.4050+695G>A (NM_001319034.2); c.3582+1163G>A (NM_001008844.3); short protein forms R1582K.
Identifiers: ClinVar variation 3894281 (VCV003894281.1).